The following is an entry in ClinVar:

ClinVar aggregate classification (germline): Pathogenic. Review status: criteria provided, multiple submitters, no conflicts (2 of 4 stars). 5 submissions from 5 submitters: Pathogenic (5). Last evaluated 2025-01-12.

Conditions:
Hereditary cancer-predisposing syndrome. Also called: Hereditary Cancer Syndrome; Neoplastic Syndromes, Hereditary; Tumor predisposition; Hereditary neoplastic syndrome. Identifiers: Orphanet 140162, MedGen C0027672, MeSH D009386, MONDO:0015356.
Familial cancer of breast. Also called: BREAST CANCER, FAMILIAL; Hereditary breast cancer; hereditary breast carcinoma. Identifiers: Orphanet 227535, MedGen C0346153, MONDO:0016419, OMIM 114480. Disease mechanism: loss of function.
Ataxia-telangiectasia syndrome (AT). Also called: Cerebello-oculocutaneous telangiectasia; Immunodeficiency with ataxia telangiectasia; Ataxia-telangiectasia, complementation group E; Ataxia-telangiectasia, complementation group D; AT, COMPLEMENTATION GROUP C; ATAXIA-TELANGIECTASIA, COMPLEMENTATION GROUP A. Identifiers: Orphanet 100, MedGen C0004135, MONDO:0008840, OMIM 208900.

Submissions (5):

Labcorp Genetics (formerly Invitae), Labcorp
Classification: Pathogenic for Ataxia-telangiectasia syndrome. Last evaluated: 2025-01-12. Review status: criteria provided, single submitter. Criteria: Invitae Variant Classification Sherloc (09022015). Collection method: clinical testing. Allele origin: germline.
Comment: This sequence change creates a premature translational stop signal (p.Ser2407*) in the ATM gene. It is expected to result in an absent or disrupted protein product. Loss-of-function variants in ATM are known to be pathogenic (PMID: 23807571, 25614872). This variant is not present in population databases (gnomAD no frequency). This premature translational stop signal has been observed in individual(s) with breast cancer (PMID: 32427313). ClinVar contains an entry for this variant (Variation ID: 524287). For these reasons, this variant has been classified as Pathogenic.

Ambry Genetics
Classification: Pathogenic for Hereditary cancer-predisposing syndrome. Last evaluated: 2024-10-14. Review status: criteria provided, single submitter. Criteria: Ambry Variant Classification Scheme 2023. Collection method: clinical testing. Allele origin: germline.
Comment: The p.S2407* pathogenic mutation (also known as c.7220C>A), located in coding exon 48 of the ATM gene, results from a C to A substitution at nucleotide position 7220. This changes the amino acid from a serine to a stop codon within coding exon 48. This variant is considered to be rare based on population cohorts in the Genome Aggregation Database (gnomAD). This alteration is expected to result in loss of function by premature protein truncation or nonsense-mediated mRNA decay. As such, this alteration is interpreted as a disease-causing mutation.

Myriad Genetics, Inc.
Classification: Pathogenic for Familial cancer of breast. Last evaluated: 2024-01-31. Review status: criteria provided, single submitter. Criteria: Myriad Autosomal Dominant, Autosomal Recessive and X-Linked Classification Criteria (2023). Collection method: clinical testing. Allele origin: unknown.
Comment: This variant is considered pathogenic. This variant creates a termination codon and is predicted to result in premature protein truncation.

Baylor Genetics
Classification: Pathogenic for Familial cancer of breast. Last evaluated: 2023-03-11. Review status: criteria provided, single submitter. Criteria: ACMG Guidelines, 2015. Collection method: clinical testing. Allele origin: unknown.

Color Diagnostics, LLC DBA Color Health
Classification: Pathogenic for Hereditary cancer-predisposing syndrome. Last evaluated: 2021-09-07. Review status: criteria provided, single submitter. Criteria: ACMG Guidelines, 2015. Collection method: clinical testing. Allele origin: germline.
Comment: This variant changes 1 nucleotide in exon 49 of the ATM gene, creating a premature translation stop signal. This variant is expected to result in an absent or non-functional protein product. This variant has been reported in an individual affected with breast and colorectal cancer (PMID: 32792570). This variant has not been identified in the general population by the Genome Aggregation Database (gnomAD). Loss of ATM function is a known mechanism of disease. Based on the available evidence, this variant is classified as Pathogenic.

Literature cited by the submitters: PubMed 23807571 (cited by Labcorp Genetics (formerly Invitae), Labcorp); PubMed 25614872 (cited by Labcorp Genetics (formerly Invitae), Labcorp); PubMed 32427313 (cited by Labcorp Genetics (formerly Invitae), Labcorp); PubMed 32792570 (cited by Color Diagnostics, LLC DBA Color Health).

NM_000051.4(ATM):c.7220C>A (p.Ser2407Ter)

Genes: ATM (ATM serine/threonine kinase; plus strand), C11orf65 (chromosome 11 open reading frame 65; minus strand). Cytogenetic location: 11q22.3.
Variant type: single nucleotide variant.
Coding change: c.7220C>A on transcript NM_000051.4 (MANE Select); coding-DNA position 7220, C replaced by A.
Protein change: p.Ser2407Ter; replaces serine 2407 with a stop codon.
Molecular consequence: nonsense. On other transcripts: intron variant (2).
Genome position (GRCh38, 1-based): chr11:108,329,151, C>A. VCF-style: chr11-108329151-C-A. GRCh37 (hg19) VCF-style: chr11-108199878-C-A.
Other names: c.7220C>A, p.Ser2407Ter (NM_001351834.2); c.641-20080G>T (NM_001330368.2); c.*38+6069G>T (NM_001351110.2); short protein forms S2407*.
Identifiers: ClinVar variation 524287 (VCV000524287.16), dbSNP rs1555122149, ClinGen allele CA382559660.